The following is an entry in ClinVar:

ClinVar aggregate classification (germline): Benign (1 of 4 stars; one submission).

Allele frequency attached by ClinVar (database versions not stated): gnomAD exomes below 0.00001 and 0.00001; TOPMed below 0.00001.
gnomAD v4.1: 1 of 1,559,044 alleles (0.000064%); highest among the groups gnomAD compares: Admixed American, 0.0018%; no homozygotes.

Submission:

GeneDx
Classification: Benign. Last evaluated: 2013-12-27. Review status: criteria provided, single submitter. Criteria: GeneDx Variant Classification (06012015). Collection method: clinical testing. Allele origin: germline. Affected: yes.
Comment: This variant is considered likely benign or benign based on one or more of the following criteria: it is a conservative change, it occurs at a poorly conserved position in the protein, it is predicted to be benign by multiple in silico algorithms, and/or has population frequency not consistent with disease.

NM_000719.7(CACNA1C):c.2530+9C>T

Gene: CACNA1C (calcium voltage-gated channel subunit alpha1 C; plus strand). Cytogenetic location: 12p13.33.
Variant type: single nucleotide variant.
Coding change: c.2530+9C>T on transcript NM_000719.7 (MANE Select); 9 bases into the intron after coding-DNA position 2530, C replaced by T.
Molecular consequence: intron variant.
Genome position (GRCh38, 1-based): chr12:2,585,913, C>T. VCF-style: chr12-2585913-C-T. GRCh37 (hg19) VCF-style: chr12-2695079-C-T.
Other names: c.2530+9C>T (NM_001167623.2, NM_001167625.2, NM_001129840.2 and 18 more transcripts); c.2521+9C>T (NM_001129844.2).
Identifiers: ClinVar variation 136617 (VCV000136617.1), dbSNP rs587780876, ClinGen allele CA289822.
Genomic context (GRCh38, chr12:2,585,913, plus strand): 5'-CAGCCCAATGAAAATGAGGATAAGAGCCCCTACCCCAACCCAGAAACTACAGGTACCAGT[C>T]CCACTGCCTAACCTGGGATTGGGAGATTGGGGGCAGAGATCTAAATTCTAAAGCCACGTG-3'